The following is an entry in ClinVar:

NM_138691.3(TMC1):c.684C>T (p.Thr228=)

Gene: TMC1 (transmembrane channel like 1; plus strand). Cytogenetic location: 9q21.13.
Variant type: single nucleotide variant.
Coding change: c.684C>T on transcript NM_138691.3 (MANE Select); coding-DNA position 684, C replaced by T.
Protein change: p.Thr228=; no amino-acid change (threonine 228 retained).
Molecular consequence: synonymous variant.
Genome position (GRCh38, 1-based): chr9:72,754,827, C>T. VCF-style: chr9-72754827-C-T. GRCh37 (hg19) VCF-style: chr9-75369743-C-T.
Identifiers: ClinVar variation 505038 (VCV000505038.9), dbSNP rs890529621, ClinGen allele CA501232.
Genomic context (GRCh38, chr9:72,754,827, plus strand): 5'-TCTTTGCTTCTTCATACAGTACCTCTGGGGTTTGCCATATGGCAGTTTACCTAGGAAAAC[C>T]GTTCCCAGAGCCGAAGAGGCATCGGCAGCAAACTTTGGTGTGTTGTACGACTTCAATGTA-3'
Protein context (NP_619636.2, residues 218-238): GLPYGSLPRK[Thr228=]VPRAEEASAA

ClinVar aggregate classification (germline): Likely benign. Review status: criteria provided, multiple submitters, no conflicts (2 of 4 stars). 2 submissions from 2 submitters: Likely benign (2). Last evaluated 2023-12-14.

Allele frequency attached by ClinVar (database versions not stated): gnomAD exomes 0.00001; TOPMed 0.00003.
gnomAD v4.1: 20 of 1,613,948 alleles (0.0012%); highest among the groups gnomAD compares: South Asian, 0.0022%; no homozygotes.

Submissions (2):

Labcorp Genetics (formerly Invitae), Labcorp
Classification: Likely benign. Last evaluated: 2023-12-14. Review status: criteria provided, single submitter. Criteria: Invitae Variant Classification Sherloc (09022015). Collection method: clinical testing. Allele origin: germline.

Laboratory for Molecular Medicine, Mass General Brigham Personalized Medicine
Classification: Likely benign. Last evaluated: 2016-05-10. Review status: criteria provided, single submitter. Criteria: LMM Criteria. Collection method: clinical testing. Allele origin: germline. Observed: 1 variant allele.
Comment: p.Thr228Thr in exon 12 of TMC1: This variant is not expected to have clinical si gnificance because it does not alter an amino acid residue and is not located wi thin the splice consensus sequence.